The following is an entry in ClinVar:

ClinVar aggregate classification (germline): Uncertain significance. Review status: criteria provided, multiple submitters, no conflicts (2 of 4 stars). 2 submissions from 2 submitters: Uncertain significance (2). Last evaluated 2026-07-31.

Allele frequency attached by ClinVar (database versions not stated): gnomAD exomes below 0.00001; TOPMed below 0.00001.
gnomAD v4.1: 1 of 1,211,590 alleles (0.000083%); highest among the groups gnomAD compares: Non-Finnish European, 0.00011%; no homozygotes.

Submissions (2):

GeneDx
Classification: Uncertain significance. Last evaluated: 2026-07-31. Review status: criteria provided, single submitter. Criteria: GeneDx Variant Classification Process June 2021. Collection method: clinical testing. Allele origin: germline.
Comment: Not observed at significant frequency in large population cohorts (gnomAD); In silico analysis suggests that this missense variant does not alter protein structure/function; Has not been previously published as pathogenic or benign to our knowledge

Greenwood Genetic Center Diagnostic Laboratories, Greenwood Genetic Center
Classification: Uncertain significance. Last evaluated: 2024-10-16. Review status: criteria provided, single submitter. Criteria: ACMG Guidelines, 2015. Collection method: clinical testing. Allele origin: germline. Affected: yes.
Comment: PM2

NM_001184880.2(PCDH19):c.1418T>A (p.Leu473His)

Gene: PCDH19 (protocadherin 19; minus strand). Cytogenetic location: Xq22.1.
Variant type: single nucleotide variant.
Coding change: c.1418T>A on transcript NM_001184880.2 (MANE Select); coding-DNA position 1418, T replaced by A.
Protein change: p.Leu473His; replaces leucine 473 with histidine.
Molecular consequence: missense variant.
Genome position (GRCh38, 1-based): chrX:100,407,180, A>T on the plus strand (T>A on the coding strand, the complement: PCDH19 is on the minus strand). VCF-style: chrX-100407180-A-T. GRCh37 (hg19) VCF-style: chrX-99662178-A-T.
Other names: c.1418T>A, p.Leu473His (NM_001105243.2, NM_020766.3); short protein forms L473H.
Identifiers: ClinVar variation 1693460 (VCV001693460.4), dbSNP rs764454230, ClinGen allele CA414002765.
Genomic context (GRCh38, chrX:100,407,180, plus strand): 5'-ACGATCTGGTAGGAGACACTGCCGTTGAGACCCAGGTCGGGGTCGCGAGCAGACACAGAG[A>T]GCAGATAGGCGCCAGGCGTGTTGTTCTCCTGCACAATGACCTGGTAGTAGGGCTTGGAAA-3'
Protein context (NP_001171809.1, residues 463-483): QENNTPGAYL[Leu473His]SVSARDPDLG